The following is an entry in ClinVar:

ClinVar aggregate classification (germline): Uncertain significance (1 of 4 stars; one submission).

Submission:

Dasa
Classification: Uncertain significance. Last evaluated: 2025-09-21. Review status: criteria provided, single submitter. Criteria: DASA Assertion Criteria. Collection method: clinical testing. Allele origin: germline.
Comment: NM_001394372.1(BICRA):c.1047_1049del (p.Pro350del) is an in-frame deletion predicted to remove proline at protein position 350 without shifting the reading frame. This variant is absent from population databases. The currently available literature and clinical evidence are not sufficient to establish a definitive association between this variant and the reported condition. Therefore, this variant is classified as a variant of uncertain significance.

NM_001394372.1(BICRA):c.1047_1049del (p.Pro350del)

Gene: BICRA (BRD4 interacting chromatin remodeling complex associated protein; plus strand). Cytogenetic location: 19q13.33.
Variant type: Deletion.
Coding change: c.1047_1049del on transcript NM_001394372.1 (MANE Select); coding-DNA positions 1047 to 1049, 3 bases deleted (GCC; older notation c.1047_1049delGCC).
Protein change: p.Pro350del; deletes proline 350.
Molecular consequence: inframe deletion.
Genome position (GRCh38, 1-based): chr19:47,680,217-47,680,219, GCC deleted; deleting any 3 consecutive bases within chr19:47,680,216-47,680,219 gives the same sequence; the c. name uses the placement nearest the transcript's 3' end. VCF-style (leftmost placement, unchanged base first): chr19-47680215-ACGC-A. GRCh37 (hg19) VCF-style: chr19-48183472-ACGC-A.
Other names: c.1047_1049del, p.Pro350del (NM_015711.3); short protein forms P350del.
Identifiers: ClinVar variation 4856917 (VCV004856917.2).